The following is an entry in ClinVar:

NM_000051.4(ATM):c.7081C>A (p.Leu2361Ile)

Genes: ATM (ATM serine/threonine kinase; plus strand), C11orf65 (chromosome 11 open reading frame 65; minus strand). Cytogenetic location: 11q22.3.
Variant type: single nucleotide variant.
Coding change: c.7081C>A on transcript NM_000051.4 (MANE Select); coding-DNA position 7081, C replaced by A.
Protein change: p.Leu2361Ile; replaces leucine 2361 with isoleucine.
Molecular consequence: missense variant. On other transcripts: intron variant (2).
Genome position (GRCh38, 1-based): chr11:108,327,750, C>A. VCF-style: chr11-108327750-C-A. GRCh37 (hg19) VCF-style: chr11-108198477-C-A.
Other names: c.7081C>A, p.Leu2361Ile (NM_001351834.2); c.641-18679G>T (NM_001330368.2); c.*38+7470G>T (NM_001351110.2); short protein forms L2361I.
Identifiers: ClinVar variation 482578 (VCV000482578.17), dbSNP rs1412288141, ClinGen allele CA382559172.
Genomic context (GRCh38, chr11:108,327,750, plus strand): 5'-TGTGGCAACTGGTTAGCAGAAACGTGCTTAGAAAATCCTGCGGTCATCATGCAGACCTAT[C>A]TAGAAAAGGTAAGATTTTTGGAGCAACCCTTAAGATAGTTACTTAGCATGAATATGCTTC-3'
Protein context (NP_000042.3, residues 2351-2371): ENPAVIMQTY[Leu2361Ile]EKAVEVAGNY

ClinVar aggregate classification (germline): Uncertain significance. Review status: criteria provided, multiple submitters, no conflicts (2 of 4 stars). 3 submissions from 3 submitters: Uncertain significance (3). Last evaluated 2026-04-08.

Conditions:
Hereditary cancer-predisposing syndrome. Also called: Neoplastic Syndromes, Hereditary; Hereditary Cancer Syndrome; Tumor predisposition; Hereditary neoplastic syndrome. Identifiers: Orphanet 140162, MedGen C0027672, MeSH D009386, MONDO:0015356.
Familial cancer of breast. Also called: Hereditary breast cancer; BREAST CANCER, FAMILIAL; hereditary breast carcinoma. Identifiers: Orphanet 227535, MedGen C0346153, MONDO:0016419, OMIM 114480. Disease mechanism: loss of function.
Ataxia-telangiectasia syndrome (AT). Also called: LOUIS-BAR SYNDROME; Cerebello-oculocutaneous telangiectasia; Immunodeficiency with ataxia telangiectasia; Ataxia-telangiectasia, complementation group D; AT, COMPLEMENTATION GROUP C; Ataxia-telangiectasia, complementation group E. Identifiers: Orphanet 100, MedGen C0004135, MONDO:0008840, OMIM 208900.

Submissions (3):

Ambry Genetics
Classification: Uncertain significance for Hereditary cancer-predisposing syndrome. Last evaluated: 2026-04-08. Review status: criteria provided, single submitter. Criteria: Ambry Variant Classification Scheme 2023. Collection method: clinical testing. Allele origin: germline.

Labcorp Genetics (formerly Invitae), Labcorp
Classification: Uncertain significance for Ataxia-telangiectasia syndrome. Last evaluated: 2025-12-08. Review status: criteria provided, single submitter. Criteria: Invitae Variant Classification Sherloc (09022015). Collection method: clinical testing. Allele origin: germline.
Comment: This sequence change replaces leucine, which is neutral and non-polar, with isoleucine, which is neutral and non-polar, at codon 2361 of the ATM protein (p.Leu2361Ile). This variant is not present in population databases (gnomAD no frequency). This variant has not been reported in the literature in individuals affected with ATM-related conditions. ClinVar contains an entry for this variant (Variation ID: 482578). Invitae Evidence Modeling of protein sequence and biophysical properties (such as structural, functional, and spatial information, amino acid conservation, physicochemical variation, residue mobility, and thermodynamic stability) indicates that this missense variant is not expected to disrupt ATM protein function with a negative predictive value of 95%. In summary, the available evidence is currently insufficient to determine the role of this variant in disease. Therefore, it has been classified as a Variant of Uncertain Significance.

Baylor Genetics
Classification: Uncertain significance for Familial cancer of breast. Last evaluated: 2023-08-24. Review status: criteria provided, single submitter. Criteria: ACMG Guidelines, 2015. Collection method: clinical testing. Allele origin: unknown.